The following is an entry in ClinVar:

NM_198428.3(BBS9):c.938A>G (p.His313Arg)

Gene: BBS9 (Bardet-Biedl syndrome 9; plus strand). Cytogenetic location: 7p14.3.
Variant type: single nucleotide variant.
Coding change: c.938A>G on transcript NM_198428.3 (MANE Select); coding-DNA position 938, A replaced by G.
Protein change: p.His313Arg; replaces histidine 313 with arginine.
Molecular consequence: missense variant. On other transcripts: non-coding transcript variant (3).
Genome position (GRCh38, 1-based): chr7:33,273,878, A>G. VCF-style: chr7-33273878-A-G. GRCh37 (hg19) VCF-style: chr7-33313490-A-G.
Other names: c.938A>G, p.His313Arg (NM_001033604.2, NM_001033605.2, NM_001348036.1 and 5 more transcripts); c.572A>G, p.His191Arg (NM_001348037.3, NM_001348044.3, NM_001348045.3 and 1 more transcripts); c.665A>G, p.His222Arg (NM_001348038.3, NM_001348039.3); c.803A>G, p.His268Arg (NM_001348042.3); short protein forms H191R, H222R, H268R, H313R.
Identifiers: ClinVar variation 910917 (VCV000910917.9), dbSNP rs533714503, ClinGen allele CA4214149.

ClinVar aggregate classification (germline): Conflicting classifications of pathogenicity. Review status: criteria provided, conflicting classifications (1 of 4 stars). 5 submissions from 5 submitters: Uncertain significance (4); Likely benign (1). Last evaluated 2025-12-26.

Conditions:
Bardet-Biedl syndrome 9 (BBS9). Identifiers: Orphanet 110, MedGen C1859567, MONDO:0014437, OMIM 615986.
BBS9-related disorder. Also called: BBS9-related condition.
Bardet-Biedl syndrome (BBS). Identifiers: Orphanet 110, MedGen C0752166, MONDO:0015229.

Allele frequency attached by ClinVar (database versions not stated): gnomAD 0.00001 and 0.00002; TOPMed 0.00003; ExAC 0.00004; gnomAD exomes 0.00006; 1000 Genomes Project 0.00040; 1000 Genomes Project 30x 0.00047.
gnomAD v4.1: 25 of 1,610,164 alleles (0.0016%); highest among the groups gnomAD compares: East Asian, 0.047%; no homozygotes.

Submissions (5):

PreventionGenetics, part of Exact Sciences
Classification: Uncertain significance for BBS9-related condition. Last evaluated: 2025-12-26. Review status: criteria provided, single submitter. Criteria: ACMG Guidelines, 2015. Collection method: clinical testing. Allele origin: germline.
Comment: The BBS9 c.938A>G variant is predicted to result in the amino acid substitution p.His313Arg. To our knowledge, this variant has not been reported in the literature. This variant is reported in 0.087% of alleles in individuals of East Asian descent in gnomAD, which may be too frequent to be a primary cause of disease. Although we suspect that this variant may be benign, at this time, the clinical significance of this variant is uncertain due to the absence of conclusive functional and genetic evidence.

Fulgent Genetics
Classification: Uncertain significance for Bardet-Biedl syndrome 9. Last evaluated: 2024-01-03. Review status: criteria provided, single submitter. Criteria: ACMG Guidelines, 2015. Collection method: clinical testing. Allele origin: germline.

Blueprint Genetics
Classification: Likely benign. Last evaluated: 2022-06-29. Review status: criteria provided, single submitter. Criteria: ACMG Guidelines, 2015. Collection method: clinical testing. Allele origin: germline.

Labcorp Genetics (formerly Invitae), Labcorp
Classification: Uncertain significance for Bardet-Biedl syndrome. Last evaluated: 2021-12-19. Review status: criteria provided, single submitter. Criteria: Invitae Variant Classification Sherloc (09022015). Collection method: clinical testing. Allele origin: germline.
Comment: This sequence change replaces histidine, which is basic and polar, with arginine, which is basic and polar, at codon 313 of the BBS9 protein (p.His313Arg). This variant is present in population databases (rs533714503, gnomAD 0.1%). This variant has not been reported in the literature in individuals affected with BBS9-related conditions. ClinVar contains an entry for this variant (Variation ID: 910917). Algorithms developed to predict the effect of missense changes on protein structure and function output the following: SIFT: "Deleterious"; PolyPhen-2: "Benign"; Align-GVGD: "Class C25". The arginine amino acid residue is found in multiple mammalian species, which suggests that this missense change does not adversely affect protein function. In summary, the available evidence is currently insufficient to determine the role of this variant in disease. Therefore, it has been classified as a Variant of Uncertain Significance.

Illumina Laboratory Services, Illumina
Classification: Uncertain significance for Bardet-Biedl syndrome 9. Last evaluated: 2018-01-12. Review status: criteria provided, single submitter. Criteria: ICSL Variant Classification Criteria 13 December 2019. Collection method: clinical testing. Allele origin: germline.